The following is an entry in ClinVar:

ClinVar aggregate classification (germline): Uncertain significance. Review status: criteria provided, multiple submitters, no conflicts (2 of 4 stars). 2 submissions from 2 submitters: Uncertain significance (2). Last evaluated 2025-04-06.

Allele frequency attached by ClinVar (database versions not stated): TOPMed 0.00001; ExAC 0.00002; gnomAD 0.00002; gnomAD exomes 0.00002.
gnomAD v4.1: 35 of 1,613,900 alleles (0.0022%); highest among the groups gnomAD compares: Non-Finnish European, 0.003%; no homozygotes.

Submissions (2):

Ambry Genetics
Classification: Uncertain significance. Last evaluated: 2025-04-06. Review status: criteria provided, single submitter. Criteria: Ambry Variant Classification Scheme 2023. Collection method: clinical testing. Allele origin: germline.

Labcorp Genetics (formerly Invitae), Labcorp
Classification: Uncertain significance. Last evaluated: 2023-08-30. Review status: criteria provided, single submitter. Criteria: Invitae Variant Classification Sherloc (09022015). Collection method: clinical testing. Allele origin: germline.
Comment: This sequence change replaces lysine, which is basic and polar, with asparagine, which is neutral and polar, at codon 573 of the NIN protein (p.Lys573Asn). This variant is present in population databases (rs759787070, gnomAD 0.003%). This variant has not been reported in the literature in individuals affected with NIN-related conditions. Algorithms developed to predict the effect of missense changes on protein structure and function output the following: SIFT: "Not Available"; PolyPhen-2: "Benign"; Align-GVGD: "Not Available". The asparagine amino acid residue is found in multiple mammalian species, which suggests that this missense change does not adversely affect protein function. In summary, the available evidence is currently insufficient to determine the role of this variant in disease. Therefore, it has been classified as a Variant of Uncertain Significance.

NM_020921.4(NIN):c.1719G>T (p.Lys573Asn)

Gene: NIN (ninein; minus strand). Cytogenetic location: 14q22.1.
Variant type: single nucleotide variant.
Coding change: c.1719G>T on transcript NM_020921.4 (MANE Select); coding-DNA position 1719, G replaced by T.
Protein change: p.Lys573Asn; replaces lysine 573 with asparagine.
Molecular consequence: missense variant.
Genome position (GRCh38, 1-based): chr14:50,763,881, C>A on the plus strand (G>T on the coding strand, the complement: NIN is on the minus strand). VCF-style: chr14-50763881-C-A. GRCh37 (hg19) VCF-style: chr14-51230599-C-A.
Other names: c.1719G>T, p.Lys573Asn (NM_016350.5, NM_182944.3, NM_182946.2); c.1719G>T (NM_020921.3); short protein forms K573N.
Identifiers: ClinVar variation 3021316 (VCV003021316.4), dbSNP rs759787070, ClinGen allele CA7182108.